The following is an entry in ClinVar:

NM_006096.4(NDRG1):c.892-123C>A

Gene: NDRG1 (N-myc downstream regulated 1; minus strand). Cytogenetic location: 8q24.22.
Variant type: single nucleotide variant.
Coding change: c.892-123C>A on transcript NM_006096.4 (MANE Select); 123 bases into the intron before coding-DNA position 892, C replaced by A.
Molecular consequence: intron variant.
Genome position (GRCh38, 1-based): chr8:133,242,197, G>T on the plus strand (C>A on the coding strand, the complement: NDRG1 is on the minus strand). VCF-style: chr8-133242197-G-T. GRCh37 (hg19) VCF-style: chr8-134254440-G-T.
Other names: c.694-123C>A (NM_001258432.2, NM_001374847.1); c.649-123C>A (NM_001258433.2); c.943-123C>A (NM_001374844.1); c.892-123C>A (NM_001135242.2, NM_001374845.1, NM_001374846.1).
Identifiers: ClinVar variation 678312 (VCV000678312.1), dbSNP rs2233344, ClinGen allele CA186365333.

ClinVar aggregate classification (germline): Likely benign (1 of 4 stars; one submission).

Allele frequency attached by ClinVar (database versions not stated): 1000 Genomes Project 0.01558; TOPMed 0.01371; 1000 Genomes Project 30x 0.01671.

Submission:

GeneDx
Classification: Likely benign. Last evaluated: 2018-06-16. Review status: criteria provided, single submitter. Criteria: GeneDx Variant Classification (06012015). Collection method: clinical testing. Allele origin: germline. Affected: yes.
Comment: This variant is considered likely benign or benign based on one or more of the following criteria: it is a conservative change, it occurs at a poorly conserved position in the protein, it is predicted to be benign by multiple in silico algorithms, and/or has population frequency not consistent with disease.